The following is an entry in ClinVar:

NM_000126.4(ETFA):c.369dup (p.Ala124fs)

Gene: ETFA (electron transfer flavoprotein subunit alpha; minus strand). Cytogenetic location: 15q24.2.
Variant type: Duplication.
Coding change: c.369dup on transcript NM_000126.4 (MANE Select); coding-DNA position 369, one base duplicated (A; older notation c.369dupA).
Protein change: p.Ala124fs; shifts the reading frame from alanine 124.
Molecular consequence: frameshift variant.
Genome position (GRCh38, 1-based): chr15:76,287,928, T duplicated on the plus strand (A on the coding strand, the reverse complement: ETFA is on the minus strand). VCF-style (leftmost placement, unchanged base first): chr15-76287927-C-CT. GRCh37 (hg19) VCF-style: chr15-76580268-C-CT.
Other names: c.222dup, p.Ala75fs (NM_001127716.2); short protein forms A124fs, A75fs.
Identifiers: ClinVar variation 2034094 (VCV002034094.4), dbSNP rs2543025196, ClinGen allele CA2580090019.

ClinVar aggregate classification (germline): Pathogenic (1 of 4 stars; one submission).

Conditions:
Multiple acyl-CoA dehydrogenase deficiency (MADD). Also called: Glutaric acidemia type II; GA 2; Glutaric aciduria, type 2; Glutaric Acidemia type 2; ETHYLMALONIC-ADIPICACIDURIA; GA II. Identifiers: Orphanet 26791, MedGen C0268596, MONDO:0009282, OMIM 231680.

Submission:

Labcorp Genetics (formerly Invitae), Labcorp
Classification: Pathogenic for Multiple acyl-CoA dehydrogenase deficiency. Last evaluated: 2022-10-04. Review status: criteria provided, single submitter. Criteria: Invitae Variant Classification Sherloc (09022015). Collection method: clinical testing. Allele origin: germline.
Comment: For these reasons, this variant has been classified as Pathogenic. This variant has not been reported in the literature in individuals affected with ETFA-related conditions. This variant is not present in population databases (gnomAD no frequency). This sequence change creates a premature translational stop signal (p.Ala124Serfs*5) in the ETFA gene. It is expected to result in an absent or disrupted protein product. Loss-of-function variants in ETFA are known to be pathogenic (PMID: 16510302, 23785301).

Literature cited by the submitters: PubMed 16510302; PubMed 23785301.